The following is an entry in ClinVar:

ClinVar aggregate classification (germline): Uncertain significance (1 of 4 stars; one submission).

Allele frequency attached by ClinVar (database versions not stated): gnomAD exomes below 0.00001; TOPMed 0.00001.

Submission:

Labcorp Genetics (formerly Invitae), Labcorp
Classification: Uncertain significance. Last evaluated: 2025-01-01. Review status: criteria provided, single submitter. Criteria: Invitae Variant Classification Sherloc (09022015). Collection method: clinical testing. Allele origin: germline.
Comment: This sequence change replaces glycine, which is neutral and non-polar, with valine, which is neutral and non-polar, at codon 3555 of the KMT2A protein (p.Gly3555Val). This variant is present in population databases (no rsID available, gnomAD 0.003%). This variant has not been reported in the literature in individuals affected with KMT2A-related conditions. ClinVar contains an entry for this variant (Variation ID: 2156670). Invitae Evidence Modeling of protein sequence and biophysical properties (such as structural, functional, and spatial information, amino acid conservation, physicochemical variation, residue mobility, and thermodynamic stability) indicates that this missense variant is not expected to disrupt KMT2A protein function with a negative predictive value of 95%. This variant disrupts the p.Gly3555Ser amino acid residue in KMT2A. Other variant(s) that disrupt this residue have been determined to be pathogenic (PMID: 35893049). This suggests that this residue is clinically significant, and that variants that disrupt this residue are likely to be disease-causing. In summary, the available evidence is currently insufficient to determine the role of this variant in disease. Therefore, it has been classified as a Variant of Uncertain Significance.

Literature cited by the submitters: PubMed 35893049.

NM_001197104.2(KMT2A):c.10664G>T (p.Gly3555Val)

Gene: KMT2A (lysine methyltransferase 2A; plus strand). Cytogenetic location: 11q23.3.
Variant type: single nucleotide variant.
Coding change: c.10664G>T on transcript NM_001197104.2 (MANE Select); coding-DNA position 10664, G replaced by T.
Protein change: p.Gly3555Val; replaces glycine 3555 with valine.
Molecular consequence: missense variant.
Genome position (GRCh38, 1-based): chr11:118,506,556, G>T. VCF-style: chr11-118506556-G-T. GRCh37 (hg19) VCF-style: chr11-118377271-G-T.
Other names: c.10754G>T, p.Gly3585Val (NM_001412597.1); c.10655G>T, p.Gly3552Val (NM_005933.4); short protein forms G3552V, G3555V, G3585V.
Identifiers: ClinVar variation 2156670 (VCV002156670.4), dbSNP rs1555048532, ClinGen allele CA382826687.